The following is an entry in ClinVar:

ClinVar aggregate classification (germline): Uncertain significance. Review status: criteria provided, multiple submitters, no conflicts (2 of 4 stars). 2 submissions from 2 submitters: Uncertain significance (2). Last evaluated 2025-09-13.

Conditions:
Spinocerebellar ataxia type 13 (SCA13). Also called: Spinocerebellar Ataxia Type13. Identifiers: Orphanet 98768, MedGen C1854488, MONDO:0011529, OMIM 605259.

Allele frequency attached by ClinVar (database versions not stated): gnomAD exomes 0.00002; TOPMed 0.00008; gnomAD 0.00009 and 0.00012; 1000 Genomes Project 30x 0.00078.
gnomAD v4.1: 69 of 1,285,748 alleles (0.0054%); highest among the groups gnomAD compares: East Asian, 0.1%; 1 homozygote.

Submissions (2):

Labcorp Genetics (formerly Invitae), Labcorp
Classification: Uncertain significance. Last evaluated: 2025-09-13. Review status: criteria provided, single submitter. Criteria: Invitae Variant Classification Sherloc (09022015). Collection method: clinical testing. Allele origin: germline.
Comment: This sequence change replaces glycine, which is neutral and non-polar, with serine, which is neutral and polar, at codon 231 of the KCNC3 protein (p.Gly231Ser). This variant is present in population databases (rs372187228, gnomAD 0.2%). This missense change has been observed in individual(s) with KCNC3-related conditions (PMID: 31692161). ClinVar contains an entry for this variant (Variation ID: 1383414). Invitae Evidence Modeling of protein sequence and biophysical properties (such as structural, functional, and spatial information, amino acid conservation, physicochemical variation, residue mobility, and thermodynamic stability) indicates that this missense variant is not expected to disrupt KCNC3 protein function with a negative predictive value of 95%. In summary, the available evidence is currently insufficient to determine the role of this variant in disease. Therefore, it has been classified as a Variant of Uncertain Significance.

Revvity Omics, Revvity
Classification: Uncertain significance for Spinocerebellar ataxia type 13. Last evaluated: 2023-12-29. Review status: criteria provided, single submitter. Criteria: ACMG Guidelines, 2015. Collection method: clinical testing. Allele origin: germline.

Literature cited by the submitters: PubMed 31692161 (cited by Labcorp Genetics (formerly Invitae), Labcorp).

NM_004977.3(KCNC3):c.691G>A (p.Gly231Ser)

Gene: KCNC3 (potassium voltage-gated channel subfamily C member 3; minus strand). Cytogenetic location: 19q13.33.
Variant type: single nucleotide variant.
Coding change: c.691G>A on transcript NM_004977.3 (MANE Select); coding-DNA position 691, G replaced by A.
Protein change: p.Gly231Ser; replaces glycine 231 with serine.
Molecular consequence: missense variant.
Genome position (GRCh38, 1-based): chr19:50,328,392, C>T on the plus strand (G>A on the coding strand, the complement: KCNC3 is on the minus strand). VCF-style: chr19-50328392-C-T. GRCh37 (hg19) VCF-style: chr19-50831649-C-T.
Other names: c.463G>A, p.Gly155Ser (NM_001372305.1); short protein forms G155S, G231S.
Identifiers: ClinVar variation 1383414 (VCV001383414.7), dbSNP rs372187228, ClinGen allele CA309575868.
Genomic context (GRCh38, chr19:50,328,392, plus strand): 5'-CCGCGTCCTGGAAGCAGAGGCGCTTGAGCTCGCCGCCCGCTCCGTCCAGGCCGCCGCCGC[C>T]CGCGCCCGCCTCGTCGTCCAGGCCTCCGTCGTGGGCGCCTGCGGCGTTGGCGGCGTTGGC-3'
Protein context (NP_004968.2, residues 221-241): DGGLDDEAGA[Gly231Ser]GGGLDGAGGE